The following is an entry in ClinVar:

ClinVar aggregate classification (germline): Likely pathogenic (1 of 4 stars; one submission).

Conditions:
Developmental and epileptic encephalopathy, 27 (DEE27). Also called: GRIN2B-Related Neurodevelopmental Disorder; Epileptic encephalopathy, early infantile, 27. Identifiers: Orphanet 3451, MedGen C4015316, MONDO:0014505, OMIM 616139.
Intellectual developmental disorder, autosomal dominant 6, with or without seizures. Also called: Intellectual disability, autosomal dominant 6; GRIN2B-related developmental delay, intellectual disability and autism spectrum disorder. Identifiers: Orphanet 589547, MedGen C3151411, MONDO:0013509, OMIM 613970.

Submission:

Labcorp Genetics (formerly Invitae), Labcorp
Classification: Likely pathogenic for Developmental and epileptic encephalopathy, 27; Intellectual developmental disorder, autosomal dominant 6, with or without seizures. Last evaluated: 2022-03-21. Review status: criteria provided, single submitter. Criteria: Invitae Variant Classification Sherloc (09022015). Collection method: clinical testing. Allele origin: germline.
Comment: This variant disrupts the p.Gly543 amino acid residue in GRIN2B. Other variant(s) that disrupt this residue have been determined to be pathogenic (Invitae). This suggests that this residue is clinically significant, and that variants that disrupt this residue are likely to be disease-causing. Advanced modeling of protein sequence and biophysical properties (such as structural, functional, and spatial information, amino acid conservation, physicochemical variation, residue mobility, and thermodynamic stability) performed at Invitae indicates that this missense variant is expected to disrupt GRIN2B protein function. This variant has not been reported in the literature in individuals affected with GRIN2B-related conditions. In summary, the currently available evidence indicates that the variant is pathogenic, but additional data are needed to prove that conclusively. Therefore, this variant has been classified as Likely Pathogenic. This sequence change replaces glycine, which is neutral and non-polar, with arginine, which is basic and polar, at codon 543 of the GRIN2B protein (p.Gly543Arg). This variant is not present in population databases (gnomAD no frequency).

NM_000834.5(GRIN2B):c.1627G>A (p.Gly543Arg)

Gene: GRIN2B (glutamate ionotropic receptor NMDA type subunit 2B; minus strand). Cytogenetic location: 12p13.1.
Variant type: single nucleotide variant.
Coding change: c.1627G>A on transcript NM_000834.5 (MANE Select); coding-DNA position 1627, G replaced by A.
Protein change: p.Gly543Arg; replaces glycine 543 with arginine.
Molecular consequence: missense variant.
Genome position (GRCh38, 1-based): chr12:13,615,141, C>T on the plus strand (G>A on the coding strand, the complement: GRIN2B is on the minus strand). VCF-style: chr12-13615141-C-T. GRCh37 (hg19) VCF-style: chr12-13768075-C-T.
Other names: c.1627G>A, p.Gly543Arg (NM_001413992.1); short protein forms G543R.
Identifiers: ClinVar variation 2115535 (VCV002115535.4), dbSNP rs1949419811, ClinGen allele CA384051723.